The following is an entry in ClinVar:

NM_000540.3(RYR1):c.9477C>T (p.Asp3159=)

Gene: RYR1 (ryanodine receptor 1; plus strand). Cytogenetic location: 19q13.2.
Variant type: single nucleotide variant.
Coding change: c.9477C>T on transcript NM_000540.3 (MANE Select); coding-DNA position 9477, C replaced by T.
Protein change: p.Asp3159=; no amino-acid change (aspartic acid 3159 retained).
Molecular consequence: synonymous variant.
Genome position (GRCh38, 1-based): chr19:38,515,030, C>T. VCF-style: chr19-38515030-C-T. GRCh37 (hg19) VCF-style: chr19-39005670-C-T.
Other names: c.9477C>T, p.Asp3159= (NM_001042723.2).
Identifiers: ClinVar variation 702318 (VCV000702318.17), dbSNP rs139409128, ClinGen allele CA073705.

ClinVar aggregate classification (germline): Conflicting classifications of pathogenicity. Review status: criteria provided, conflicting classifications (1 of 4 stars). 6 submissions from 5 submitters: Uncertain significance (2); Likely benign (3). 1 of the submissions does not count toward it. Last evaluated 2025-12-31.

Conditions:
RYR1-related disorder. Also called: RYR1-related disorders; RYR1-related condition. Identifiers: MedGen CN239331.
Malignant hyperthermia, susceptibility to, 1 (MHS1). Also called: Malignant hyperthermia suceptibility 1; Anesthesia related hyperthermia; Malignant hyperpyrexia; Fulminating hyperpyrexia; Pharmacogenic myopathy; RYR1-Related Malignant Hyperthermia Susceptibility. Identifiers: Orphanet 423, MedGen C2930980, MONDO:0007783, OMIM 145600.
Congenital multicore myopathy with external ophthalmoplegia (CMYO1B). Also called: MULTICORE MYOPATHY; MULTIMINICORE DISEASE WITH EXTERNAL OPHTHALMOPLEGIA; Minicore myopathy with external ophthalmoplegia; Congenital myopathy 1B, autosomal recessive; Minicore myopathy. Identifiers: Orphanet 598, Orphanet 98905, MedGen C1850674, MONDO:0009712, OMIM 255320, HP:0003789.

Allele frequency attached by ClinVar (database versions not stated): gnomAD 0.00004 and 0.00007; gnomAD exomes 0.00007 and 0.00011; TOPMed 0.00007; ExAC 0.00010; 1000 Genomes Project 30x 0.00047; 1000 Genomes Project 0.00060.
gnomAD v4.1: 108 of 1,612,582 alleles (0.0067%); highest among the groups gnomAD compares: East Asian, 0.21%; no homozygotes.

Submissions (6):

Labcorp Genetics (formerly Invitae), Labcorp
Classification: Likely benign for RYR1-related disorder. Last evaluated: 2025-12-31. Review status: criteria provided, single submitter. Criteria: Invitae Variant Classification Sherloc (09022015). Collection method: clinical testing. Allele origin: germline.

Blueprint Genetics
Classification: Likely benign. Last evaluated: 2023-05-03. Review status: criteria provided, single submitter. Criteria: ACMG Guidelines, 2015. Collection method: clinical testing. Allele origin: germline.

Color Diagnostics, LLC DBA Color Health
Classification: Likely benign for Malignant hyperthermia, susceptibility to, 1. Last evaluated: 2022-11-06. Review status: criteria provided, single submitter. Criteria: ACMG Guidelines, 2015. Collection method: clinical testing. Allele origin: germline.

Illumina Laboratory Services, Illumina
Classification: Uncertain significance for Congenital multicore myopathy with external ophthalmoplegia. Last evaluated: 2018-01-13. Review status: criteria provided, single submitter. Criteria: ICSL Variant Classification Criteria 13 December 2019. Collection method: clinical testing. Allele origin: germline.

Illumina Laboratory Services, Illumina
Classification: Uncertain significance for Malignant hyperthermia, susceptibility to, 1. Last evaluated: 2018-01-13. Review status: criteria provided, single submitter. Criteria: ICSL Variant Classification Criteria 13 December 2019. Collection method: clinical testing. Allele origin: germline.

PreventionGenetics, part of Exact Sciences
Classification: Likely benign for RYR1-related condition. Last evaluated: 2019-03-20. Review status: no assertion criteria provided. Collection method: clinical testing. Allele origin: germline. Not counted in ClinVar's aggregate classification.
Comment: This variant is classified as likely benign based on ACMG/AMP sequence variant interpretation guidelines (Richards et al. 2015 PMID: 25741868, with internal and published modifications).